The following is an entry in ClinVar:

NM_005251.3(FOXC2):c.871G>T (p.Ala291Ser)

Gene: FOXC2 (forkhead box C2; plus strand). Cytogenetic location: 16q24.1.
Variant type: single nucleotide variant.
Coding change: c.871G>T on transcript NM_005251.3 (MANE Select); coding-DNA position 871, G replaced by T.
Protein change: p.Ala291Ser; replaces alanine 291 with serine.
Molecular consequence: missense variant.
Genome position (GRCh38, 1-based): chr16:86,568,206, G>T. VCF-style: chr16-86568206-G-T. GRCh37 (hg19) VCF-style: chr16-86601812-G-T.
Other names: short protein forms A291S.
Identifiers: ClinVar variation 1959660 (VCV001959660.5), dbSNP rs769190596, ClinGen allele CA397008978.
Genomic context (GRCh38, chr16:86,568,206, plus strand): 5'-AGCGTGGAGAACATCATGACCCTGCGAACGTCGCCGCCGGGCGGAGAGCTGAGCCCGGGG[G>T]CCGGACGCGCGGGCCTGGTGGTGCCGCCGCTGGCGCTGCCCTACGCCGCCGCGCCGCCCG-3'
Protein context (NP_005242.1, residues 281-301): SPPGGELSPG[Ala291Ser]GRAGLVVPPL

ClinVar aggregate classification (germline): Uncertain significance (1 of 4 stars; one submission).

Submission:

Labcorp Genetics (formerly Invitae), Labcorp
Classification: Uncertain significance. Last evaluated: 2022-08-19. Review status: criteria provided, single submitter. Criteria: Invitae Variant Classification Sherloc (09022015). Collection method: clinical testing. Allele origin: germline.
Comment: This sequence change replaces alanine, which is neutral and non-polar, with serine, which is neutral and polar, at codon 291 of the FOXC2 protein (p.Ala291Ser). This variant is not present in population databases (gnomAD no frequency). This variant has not been reported in the literature in individuals affected with FOXC2-related conditions. Algorithms developed to predict the effect of missense changes on protein structure and function output the following: SIFT: "Tolerated"; PolyPhen-2: "Benign"; Align-GVGD: "Class C0". The serine amino acid residue is found in multiple mammalian species, which suggests that this missense change does not adversely affect protein function. In summary, the available evidence is currently insufficient to determine the role of this variant in disease. Therefore, it has been classified as a Variant of Uncertain Significance.